The following is an entry in ClinVar:

NM_013275.6(ANKRD11):c.1742C>T (p.Ser581Phe)

Gene: ANKRD11 (ankyrin repeat domain containing 11; minus strand). Cytogenetic location: 16q24.3.
Variant type: single nucleotide variant.
Coding change: c.1742C>T on transcript NM_013275.6 (MANE Select); coding-DNA position 1742, C replaced by T.
Protein change: p.Ser581Phe; replaces serine 581 with phenylalanine.
Molecular consequence: missense variant.
Genome position (GRCh38, 1-based): chr16:89,284,800, G>A on the plus strand (C>T on the coding strand, the complement: ANKRD11 is on the minus strand). VCF-style: chr16-89284800-G-A. GRCh37 (hg19) VCF-style: chr16-89351208-G-A.
Other names: c.1742C>T, p.Ser581Phe (NM_001256182.2, NM_001256183.2); short protein forms S581F.
Identifiers: ClinVar variation 3360833 (VCV003360833.1).

ClinVar aggregate classification (germline): Uncertain significance (1 of 4 stars; one submission).

gnomAD v4.1: 27 of 1,613,614 alleles (0.0017%); highest among the groups gnomAD compares: Non-Finnish European, 0.0023%; no homozygotes.

Submission:

GeneDx
Classification: Uncertain significance. Last evaluated: 2023-07-11. Review status: criteria provided, single submitter. Criteria: GeneDx Variant Classification Process June 2021. Collection method: clinical testing. Allele origin: germline. Affected: yes.
Comment: Not observed at significant frequency in large population cohorts (gnomAD); In silico analysis supports that this missense variant has a deleterious effect on protein structure/function; Has not been previously published as pathogenic or benign to our knowledge